The following is an entry in ClinVar:

NM_000051.4(ATM):c.6736T>G (p.Cys2246Gly)

Genes: ATM (ATM serine/threonine kinase; plus strand), C11orf65 (chromosome 11 open reading frame 65; minus strand). Cytogenetic location: 11q22.3.
Variant type: single nucleotide variant.
Coding change: c.6736T>G on transcript NM_000051.4 (MANE Select); coding-DNA position 6736, T replaced by G.
Protein change: p.Cys2246Gly; replaces cysteine 2246 with glycine.
Molecular consequence: missense variant. On other transcripts: intron variant (2).
Genome position (GRCh38, 1-based): chr11:108,325,473, T>G. VCF-style: chr11-108325473-T-G. GRCh37 (hg19) VCF-style: chr11-108196200-T-G.
Other names: c.6736T>G, p.Cys2246Gly (NM_001351834.2); c.641-16402A>C (NM_001330368.2); c.*38+9747A>C (NM_001351110.2); short protein forms C2246G.
Identifiers: ClinVar variation 927567 (VCV000927567.7), dbSNP rs767070729, ClinGen allele CA6266002.

ClinVar aggregate classification (germline): Uncertain significance. Review status: criteria provided, multiple submitters, no conflicts (2 of 4 stars). 3 submissions from 3 submitters: Uncertain significance (3). Last evaluated 2025-12-17.

Conditions:
Hereditary cancer-predisposing syndrome. Also called: Tumor predisposition; Neoplastic Syndromes, Hereditary; Hereditary neoplastic syndrome; Hereditary Cancer Syndrome. Identifiers: Orphanet 140162, MedGen C0027672, MeSH D009386, MONDO:0015356.
Familial cancer of breast. Also called: Hereditary breast cancer; hereditary breast carcinoma; BREAST CANCER, FAMILIAL. Identifiers: Orphanet 227535, MedGen C0346153, MONDO:0016419, OMIM 114480. Disease mechanism: loss of function.

Allele frequency attached by ClinVar (database versions not stated): ExAC 0.00002; gnomAD exomes 0.00001.
gnomAD v4.1: 8 of 1,613,740 alleles (0.0005%); highest among the groups gnomAD compares: South Asian, 0.0088%; no homozygotes.

Submissions (3):

Ambry Genetics
Classification: Uncertain significance for Hereditary cancer-predisposing syndrome. Last evaluated: 2025-12-17. Review status: criteria provided, single submitter. Criteria: Ambry Variant Classification Scheme 2023. Collection method: clinical testing. Allele origin: germline.
Comment: The p.C2246G variant (also known as c.6736T>G), located in coding exon 45 of the ATM gene, results from a T to G substitution at nucleotide position 6736. The cysteine at codon 2246 is replaced by glycine, an amino acid with highly dissimilar properties. In an assay testing ATM function, this variant showed a functionally normal result (Lee KS et al. Cell, 2025 Sep;188:5081-5099.e27). This amino acid position is not well conserved in available vertebrate species. In addition, this alteration is predicted to be tolerated by in silico analysis. Based on the available evidence, the clinical significance of this variant remains unclear.

Baylor Genetics
Classification: Uncertain significance for Familial cancer of breast. Last evaluated: 2024-03-11. Review status: criteria provided, single submitter. Criteria: ACMG Guidelines, 2015. Collection method: clinical testing. Allele origin: unknown.

Color Diagnostics, LLC DBA Color Health
Classification: Uncertain significance for Hereditary cancer-predisposing syndrome. Last evaluated: 2023-12-05. Review status: criteria provided, single submitter. Criteria: ACMG Guidelines, 2015. Collection method: clinical testing. Allele origin: germline.
Comment: This missense variant replaces cysteine with glycine at codon 2246 of the ATM protein. Computational prediction suggests that this variant may not impact protein structure and function (internally defined REVEL score threshold <= 0.5, PMID: 27666373). To our knowledge, functional studies have not been reported for this variant. This variant has not been reported in individuals affected with ATM-related disorders in the literature. This variant has been identified in 2/250866 chromosomes in the general population by the Genome Aggregation Database (gnomAD). The available evidence is insufficient to determine the role of this variant in disease conclusively. Therefore, this variant is classified as a Variant of Uncertain Significance.

Literature cited by the submitters: PubMed 40580951 (cited by Ambry Genetics).